The following is an entry in ClinVar:

NM_001851.6(COL9A1):c.912+37C>T

Gene: COL9A1 (collagen type IX alpha 1 chain; minus strand). Cytogenetic location: 6q13.
Variant type: single nucleotide variant.
Coding change: c.912+37C>T on transcript NM_001851.6 (MANE Select); 37 bases into the intron after coding-DNA position 912, C replaced by T.
Molecular consequence: intron variant.
Genome position (GRCh38, 1-based): chr6:70,280,967, G>A on the plus strand (C>T on the coding strand, the complement: COL9A1 is on the minus strand). VCF-style: chr6-70280967-G-A. GRCh37 (hg19) VCF-style: chr6-70990670-G-A.
Other names: c.183+37C>T (NM_001377290.1, NM_078485.4, NM_001377289.1); c.912+37C>T (NM_001377291.1).
Identifiers: ClinVar variation 678722 (VCV000678722.2), dbSNP rs41303785, ClinGen allele CA3882574.
Genomic context (GRCh38, chr6:70,280,967, plus strand): 5'-GAGAAAAAGGTGCAAAGTTGAGACCCTTCAGAAACAGGGGGCTGCAAAACACGTCTAAAG[G>A]AAGGAAGTGGAGCGCCATATGCTCCAATCAACTTACCGGGGGGCCCGGGGGGCCCTTAGG-3'

ClinVar aggregate classification (germline): Likely benign. Review status: criteria provided, multiple submitters, no conflicts (2 of 4 stars). 2 submissions from 2 submitters: Likely benign (2). Last evaluated 2018-06-14.

Allele frequency attached by ClinVar (database versions not stated): 1000 Genomes Project 30x 0.01031; 1000 Genomes Project 0.01058; ESP Exome Variant Server 0.01689; gnomAD 0.01805 and 0.01812; ExAC 0.01838; TOPMed 0.01842; gnomAD exomes 0.01858 and 0.02328.
gnomAD v4.1: 36,853 of 1,613,364 alleles (2.3%); highest among the groups gnomAD compares: Middle Eastern, 5.6%; 519 homozygotes.

Submissions (2):

GeneDx
Classification: Likely benign. Last evaluated: 2018-06-14. Review status: criteria provided, single submitter. Criteria: GeneDx Variant Classification (06012015). Collection method: clinical testing. Allele origin: germline. Affected: yes.
Comment: This variant is considered likely benign or benign based on one or more of the following criteria: it is a conservative change, it occurs at a poorly conserved position in the protein, it is predicted to be benign by multiple in silico algorithms, and/or has population frequency not consistent with disease.

Breakthrough Genomics
Classification: Likely benign. Review status: criteria provided, single submitter. Criteria: ACMG Guidelines, 2015. Collection method: not provided. Allele origin: germline. Inheritance: Autosomal dominant inheritance. Affected: yes.